The following is an entry in ClinVar:

ClinVar aggregate classification (germline): Uncertain significance (1 of 4 stars; one submission).

Submission:

GeneDx
Classification: Uncertain significance. Last evaluated: 2025-01-19. Review status: criteria provided, single submitter. Criteria: GeneDx Variant Classification Process June 2021. Collection method: clinical testing. Allele origin: germline. Affected: yes.
Comment: Not observed at significant frequency in large population cohorts (gnomAD); In silico analysis supports that this missense variant has a deleterious effect on protein structure/function; Has not been previously published as pathogenic or benign to our knowledge

NM_014712.3(SETD1A):c.4838G>T (p.Arg1613Leu)

Gene: SETD1A (SET domain containing 1A, histone lysine methyltransferase; plus strand). Cytogenetic location: 16p11.2.
Variant type: single nucleotide variant.
Coding change: c.4838G>T on transcript NM_014712.3 (MANE Select); coding-DNA position 4838, G replaced by T.
Protein change: p.Arg1613Leu; replaces arginine 1613 with leucine.
Molecular consequence: missense variant.
Genome position (GRCh38, 1-based): chr16:30,983,660, G>T. VCF-style: chr16-30983660-G-T. GRCh37 (hg19) VCF-style: chr16-30994981-G-T.
Other names: short protein forms R1613L.
Identifiers: ClinVar variation 4070826 (VCV004070826.1).